The following is an entry in ClinVar:

ClinVar aggregate classification (germline): Pathogenic. Review status: criteria provided, multiple submitters, no conflicts (2 of 4 stars). 3 submissions from 3 submitters: Pathogenic (3). Last evaluated 2025-03-14.

Conditions:
Autosomal dominant polycystic kidney disease. Identifiers: Orphanet 730, MedGen C0085413, MONDO:0004691.
Polycystic kidney disease 2 (PKD2). Also called: Polycystic Kidney Disease 2, Autosomal Dominant; POLYCYSTIC KIDNEY DISEASE, ADULT, TYPE II; POLYCYSTIC KIDNEY DISEASE 2 WITH OR WITHOUT POLYCYSTIC LIVER DISEASE. Identifiers: MedGen C2751306, MONDO:0013131, OMIM 613095.

Submissions (3):

Women's Health and Genetics/Laboratory Corporation of America, LabCorp
Classification: Pathogenic for Polycystic kidney disease 2. Last evaluated: 2025-03-14. Review status: criteria provided, single submitter. Criteria: LabCorp Variant Classification Summary - May 2015. Collection method: clinical testing. Allele origin: germline.
Comment: Variant summary: PKD2 c.1018G>T (p.Glu340X) results in a premature termination codon, predicted to cause a truncation of the encoded protein or absence of the protein due to nonsense mediated decay, which are commonly known mechanisms for disease. The variant was absent in 251156 control chromosomes. c.1018G>T has been reported in the literature in at least one individual affected with Polycystic Kidney Disease (e.g. Yu_2022). To our knowledge, no experimental evidence demonstrating an impact on protein function has been reported. The following publication has been ascertained in the context of this evaluation (PMID: 35778421). ClinVar contains an entry for this variant (Variation ID: 1070067). Based on the evidence outlined above, the variant was classified as pathogenic.

Fulgent Genetics
Classification: Pathogenic for Polycystic kidney disease 2. Last evaluated: 2021-09-10. Review status: criteria provided, single submitter. Criteria: ACMG Guidelines, 2015. Collection method: clinical testing. Allele origin: unknown.

Labcorp Genetics (formerly Invitae), Labcorp
Classification: Pathogenic for Autosomal dominant polycystic kidney disease. Last evaluated: 2020-02-22. Review status: criteria provided, single submitter. Criteria: Invitae Variant Classification Sherloc (09022015). Collection method: clinical testing. Allele origin: germline.
Comment: This sequence change creates a premature translational stop signal (p.Glu340*) in the PKD2 gene. It is expected to result in an absent or disrupted protein product. This variant is not present in population databases (ExAC no frequency). This variant has not been reported in the literature in individuals with PKD2-related conditions. Loss-of-function variants in PKD2 are known to be pathogenic (PMID: 17582161, 22863349). For these reasons, this variant has been classified as Pathogenic.

Literature cited by the submitters: PubMed 35778421 (cited by Women's Health and Genetics/Laboratory Corporation of America, LabCorp); PubMed 17582161 (cited by Labcorp Genetics (formerly Invitae), Labcorp); PubMed 22863349 (cited by Labcorp Genetics (formerly Invitae), Labcorp).

NM_000297.4(PKD2):c.1018G>T (p.Glu340Ter)

Gene: PKD2 (polycystin 2, transient receptor potential cation channel; plus strand). Cytogenetic location: 4q22.1.
Variant type: single nucleotide variant.
Coding change: c.1018G>T on transcript NM_000297.4 (MANE Select); coding-DNA position 1018, G replaced by T.
Protein change: p.Glu340Ter; replaces glutamic acid 340 with a stop codon.
Molecular consequence: nonsense. On other transcripts: non-coding transcript variant (1).
Genome position (GRCh38, 1-based): chr4:88,038,425, G>T. VCF-style: chr4-88038425-G-T. GRCh37 (hg19) VCF-style: chr4-88959577-G-T.
Other names: short protein forms E340*.
Identifiers: ClinVar variation 1070067 (VCV001070067.11), dbSNP rs2110107236, ClinGen allele CA357633020.